The following is an entry in ClinVar:

ClinVar aggregate classification (germline): Uncertain significance (1 of 4 stars; one submission).

Allele frequency attached by ClinVar (database versions not stated): ExAC 0.00001.
gnomAD v4.1: 9 of 1,613,786 alleles (0.00056%); highest among the groups gnomAD compares: East Asian, 0.0022%; no homozygotes.

Submission:

GeneDx
Classification: Uncertain significance. Last evaluated: 2022-11-09. Review status: criteria provided, single submitter. Criteria: GeneDx Variant Classification Process June 2021. Collection method: clinical testing. Allele origin: germline. Affected: yes.
Comment: Not observed at significant frequency in large population cohorts (gnomAD); In silico analysis supports that this missense variant does not alter protein structure/function; In silico analysis suggests this variant may impact gene splicing. In the absence of RNA/functional studies, the actual effect of this sequence change is unknown; This variant is associated with the following publications: (PMID: 31130284)

NM_145207.3(AFG2A):c.334G>A (p.Gly112Ser)

Gene: AFG2A (AFG2 AAA ATPase homolog A; plus strand). Cytogenetic location: 4q28.1.
Variant type: single nucleotide variant.
Coding change: c.334G>A on transcript NM_145207.3 (MANE Select); coding-DNA position 334, G replaced by A.
Protein change: p.Gly112Ser; replaces glycine 112 with serine.
Molecular consequence: missense variant.
Genome position (GRCh38, 1-based): chr4:122,929,085, G>A. VCF-style: chr4-122929085-G-A. GRCh37 (hg19) VCF-style: chr4-123850240-G-A.
Other names: c.331G>A, p.Gly111Ser (NM_001317799.2, NM_001345856.2); short protein forms G111S, G112S.
Identifiers: ClinVar variation 2501993 (VCV002501993.1), dbSNP rs773376572, ClinGen allele CA3070192.